The following is an entry in ClinVar:

ClinVar aggregate classification (germline): Uncertain significance (1 of 4 stars; one submission).

Submission:

Center for Genomic Medicine, Rigshospitalet, Copenhagen University Hospital
Classification: Uncertain significance. Last evaluated: 2025-03-04. Review status: criteria provided, single submitter. Criteria: ACMG Guidelines, 2015. Collection method: clinical testing. Allele origin: germline.
Comment: Classification criteria: PM2_Supporting

NM_001271696.3(ABCB7):c.101T>C (p.Val34Ala)

Genes: ABCB7 (ATP binding cassette subfamily B member 7; minus strand), LOC130068449 (ATAC-STARR-seq lymphoblastoid active region 29770; plus strand). Cytogenetic location: Xq13.3.
Variant type: single nucleotide variant.
Coding change: c.101T>C on transcript NM_001271696.3 (MANE Select); coding-DNA position 101, T replaced by C.
Protein change: p.Val34Ala; replaces valine 34 with alanine.
Molecular consequence: missense variant.
Genome position (GRCh38, 1-based): chrX:75,156,172, A>G on the plus strand (T>C on the coding strand, the complement: ABCB7 is on the minus strand). VCF-style: chrX-75156172-A-G. GRCh37 (hg19) VCF-style: chrX-74376007-A-G.
Other names: c.101T>C, p.Val34Ala (NM_001271697.3, NM_001271698.3, NM_001271699.3 and 1 more transcripts); short protein forms V34A.
Identifiers: ClinVar variation 3765147 (VCV003765147.1).